The following is an entry in ClinVar:

ClinVar aggregate classification (germline): Likely pathogenic (1 of 4 stars; one submission).

Conditions:
Familial cancer of breast. Also called: Hereditary breast cancer; BREAST CANCER, FAMILIAL; hereditary breast carcinoma. Identifiers: Orphanet 227535, MedGen C0346153, MONDO:0016419, OMIM 114480. Disease mechanism: loss of function.
Fanconi anemia complementation group J. Also called: BRIP1-Related Fanconi Anemia. Identifiers: Orphanet 84, MedGen C1836860, MONDO:0012187, OMIM 609054.

Submission:

Labcorp Genetics (formerly Invitae), Labcorp
Classification: Likely pathogenic for Familial cancer of breast; Fanconi anemia complementation group J. Last evaluated: 2022-01-28. Review status: criteria provided, single submitter. Criteria: Invitae Variant Classification Sherloc (09022015). Collection method: clinical testing. Allele origin: germline.
Comment: In summary, the currently available evidence indicates that the variant is pathogenic, but additional data are needed to prove that conclusively. Therefore, this variant has been classified as Likely Pathogenic. This variant has not been reported in the literature in individuals affected with BRIP1-related conditions. This variant results in a copy number gain of the genomic region encompassing exon(s) 12 of the BRIP1 gene. While the exact position of this variant cannot be determined from the data, sub-genic copy number gains are generally in tandem (PMID: 25640679). This variant is predicted to be out-of-frame, and may result in an absent or disrupted protein product. Loss-of-function variants in BRIP1 are known to be pathogenic (PMID: 16116423, 17033622, 21964575).

Literature cited by the submitters: PubMed 25640679; PubMed 16116423; PubMed 17033622; PubMed 21964575.

NC_000017.10:g.(?_59858191)_(59858864_?)dup

Gene: BRIP1 (BRCA1 interacting DNA helicase 1; minus strand). Cytogenetic location: 17q23.2.
Variant type: Duplication.
Identifiers: ClinVar variation 1065940 (VCV001065940.4).